The following is an entry in ClinVar:

NM_007294.4(BRCA1):c.5088G>C (p.Val1696=)

Gene: BRCA1 (BRCA1 DNA repair associated; minus strand). Cytogenetic location: 17q21.31.
Variant type: single nucleotide variant.
Coding change: c.5088G>C on transcript NM_007294.4 (MANE Select); coding-DNA position 5088, G replaced by C.
Protein change: p.Val1696=; no amino-acid change (valine 1696 retained).
Molecular consequence: synonymous variant. On other transcripts: intron variant (2).
Genome position (GRCh38, 1-based): chr17:43,063,938, C>G on the plus strand (G>C on the coding strand, the complement: BRCA1 is on the minus strand). VCF-style: chr17-43063938-C-G. GRCh37 (hg19) VCF-style: chr17-41215955-C-G.
Other names: c.4875G>C, p.Val1625= (NM_001407907.1, NM_001407908.1, NM_001407909.1 and 12 more transcripts); c.4872G>C, p.Val1624= (NM_001407915.1, NM_001407916.1, NM_001407917.1 and 1 more transcripts); c.4965G>C, p.Val1655= (NM_001407919.1, NM_001407937.1, NM_001407938.1 and 6 more transcripts); c.4824G>C, p.Val1608= (NM_001407920.1, NM_001407921.1, NM_001407922.1 and 4 more transcripts); c.4821G>C, p.Val1607= (NM_001407927.1, NM_001407928.1, NM_001407929.1 and 4 more transcripts); c.4818G>C, p.Val1606= (NM_001407934.1, NM_001407935.1, NM_001407936.1); c.4962G>C, p.Val1654= (NM_001407939.1, NM_001407940.1, NM_001407670.1 and 10 more transcripts); c.4959G>C, p.Val1653= (NM_001407941.1, NM_001407681.1, NM_001407682.1 and 6 more transcripts); and 73 more.
Identifiers: ClinVar variation 864940 (VCV000864940.3), dbSNP rs878854956, ClinGen allele CA500146213.

Conditions:
Breast-ovarian cancer, familial, susceptibility to, 1 (BROVCA1). Also called: BRCA1 Hereditary Breast and Ovarian Cancer; OVARIAN CANCER, SUSCEPTIBILITY TO. Identifiers: Orphanet 145, MedGen C2676676, MONDO:0011450, OMIM 604370. Disease mechanism: loss of function.

Submission:

Brotman Baty Institute, University of Washington
No classification provided (evidence only). Condition: Breast-ovarian cancer, familial 1. Review status: no classification provided. Collection method: in vitro. Allele origin: not applicable. Functional consequence: functionally_normal.
ClinVar note: "not provided" was previously submitted as the classification for the variant. However, the classification appeared to be based only on an observation of functional data so it was converted to no classification on 2025-07-30.